The following is an entry in ClinVar:

NM_001037131.3(AGAP1):c.574G>A (p.Asp192Asn)

Gene: AGAP1 (ArfGAP with GTPase domain, ankyrin repeat and PH domain 1; plus strand). Cytogenetic location: 2q37.2.
Variant type: single nucleotide variant.
Coding change: c.574G>A on transcript NM_001037131.3 (MANE Select); coding-DNA position 574, G replaced by A.
Protein change: p.Asp192Asn; replaces aspartic acid 192 with asparagine.
Molecular consequence: missense variant.
Genome position (GRCh38, 1-based): chr2:235,750,389, G>A. VCF-style: chr2-235750389-G-A. GRCh37 (hg19) VCF-style: chr2-236659033-G-A.
Other names: c.574G>A, p.Asp192Asn (NM_001244888.2, NM_001412122.1, NM_014914.5); short protein forms D192N.
Identifiers: ClinVar variation 2898816 (VCV002898816.3), dbSNP rs143378661, ClinGen allele CA2184437.
Genomic context (GRCh38, chr2:235,750,389, plus strand): 5'-GTTACTTTTTGGTCTTCTGTTCCAGATGCCATAAGTTCTGCTAACCCGAGGGTCATCGAT[G>A]ACGCCAGGGCGAGGAAGCTCTCCAACGACCTGAAACGGTGCACGTACTACGAGACGTGTG-3'
Protein context (NP_001032208.1, residues 182-202): ISSANPRVID[Asp192Asn]ARARKLSNDL

ClinVar aggregate classification (germline): Uncertain significance (1 of 4 stars; one submission).

Allele frequency attached by ClinVar (database versions not stated): TOPMed 0.00005; ESP Exome Variant Server 0.00008; gnomAD exomes 0.00002; ExAC 0.00004; gnomAD 0.00005.
gnomAD v4.1: 38 of 1,614,202 alleles (0.0024%); highest among the groups gnomAD compares: East Asian, 0.04%; no homozygotes.

Submission:

Labcorp Genetics (formerly Invitae), Labcorp
Classification: Uncertain significance. Last evaluated: 2025-03-27. Review status: criteria provided, single submitter. Criteria: Invitae Variant Classification Sherloc (09022015). Collection method: clinical testing. Allele origin: germline.
Comment: This sequence change replaces aspartic acid, which is acidic and polar, with asparagine, which is neutral and polar, at codon 192 of the AGAP1 protein (p.Asp192Asn). This variant is present in population databases (rs143378661, gnomAD 0.05%). This variant has not been reported in the literature in individuals affected with AGAP1-related conditions. ClinVar contains an entry for this variant (Variation ID: 2898816). An algorithm developed to predict the effect of missense changes on protein structure and function (PolyPhen-2) suggests that this variant is likely to be tolerated. In summary, the available evidence is currently insufficient to determine the role of this variant in disease. Therefore, it has been classified as a Variant of Uncertain Significance.